The following is an entry in ClinVar:

NM_000059.4(BRCA2):c.8266_8267dup (p.Glu2757fs)

Gene: BRCA2 (BRCA2 DNA repair associated; plus strand). Cytogenetic location: 13q13.1.
Variant type: Duplication.
Coding change: c.8266_8267dup on transcript NM_000059.4 (MANE Select); coding-DNA positions 8266 to 8267, 2 bases duplicated (GC; older notation c.8266_8267dupGC).
Protein change: p.Glu2757fs; shifts the reading frame from glutamic acid 2757.
Molecular consequence: frameshift variant.
Genome position (GRCh38, 1-based): chr13:32,363,468-32,363,469, GC duplicated. VCF-style (leftmost placement, unchanged base first): chr13-32363467-A-AGC. GRCh37 (hg19) VCF-style: chr13-32937604-A-AGC.
Other names: short protein forms E2757fs.
Identifiers: ClinVar variation 1070596 (VCV001070596.7), dbSNP rs2137582429, ClinGen allele CA2499222323.

ClinVar aggregate classification (germline): Pathogenic (1 of 4 stars; one submission).

Conditions:
Hereditary breast ovarian cancer syndrome. Also called: Hereditary breast and ovarian cancer syndrome (HBOC); Hereditary breast and/or ovarian cancer syndrome; Hereditary breast and ovarian cancer; BRCA1- and BRCA2-Associated Hereditary Breast and Ovarian Cancer; Hereditary breast and ovarian cancer syndrome; Breast and ovarian cancer. Identifiers: Orphanet 145, MedGen C0677776, MeSH D061325, MONDO:0003582. Disease mechanism: loss of function.

Submission:

Labcorp Genetics (formerly Invitae), Labcorp
Classification: Pathogenic for Hereditary breast ovarian cancer syndrome. Last evaluated: 2020-10-20. Review status: criteria provided, single submitter. Criteria: Invitae Variant Classification Sherloc (09022015). Collection method: clinical testing. Allele origin: germline.
Comment: This sequence change creates a premature translational stop signal (p.Glu2757Glnfs*21) in the BRCA2 gene. It is expected to result in an absent or disrupted protein product. Loss-of-function variants in BRCA2 are known to be pathogenic (PMID: 20104584). For these reasons, this variant has been classified as Pathogenic. This variant has not been reported in the literature in individuals with BRCA2-related conditions. This variant is not present in population databases (ExAC no frequency).

Literature cited by the submitters: PubMed 20104584.